The following is an entry in ClinVar:

NM_025179.4(PLXNA2):c.4141C>T (p.Arg1381Cys)

Gene: PLXNA2 (plexin A2; minus strand). Cytogenetic location: 1q32.2.
Variant type: single nucleotide variant.
Coding change: c.4141C>T on transcript NM_025179.4 (MANE Select); coding-DNA position 4141, C replaced by T.
Protein change: p.Arg1381Cys; replaces arginine 1381 with cysteine.
Molecular consequence: missense variant.
Genome position (GRCh38, 1-based): chr1:208,042,243, G>A on the plus strand (C>T on the coding strand, the complement: PLXNA2 is on the minus strand). VCF-style: chr1-208042243-G-A. GRCh37 (hg19) VCF-style: chr1-208215588-G-A.
Other names: short protein forms R1381C.
Identifiers: ClinVar variation 5000871 (VCV005000871.1).

ClinVar aggregate classification (germline): Uncertain significance (1 of 4 stars; one submission).

Conditions:
PLXNA2-related disorder. Also called: PLXNA2-related condition.

gnomAD v4.1: 9 of 1,614,230 alleles (0.00056%); highest among the groups gnomAD compares: South Asian, 0.0011%; no homozygotes.

Submission:

PreventionGenetics, part of Exact Sciences
Classification: Uncertain significance for PLXNA2-related condition. Last evaluated: 2025-09-02. Review status: criteria provided, single submitter. Criteria: ACMG Guidelines, 2015. Collection method: clinical testing. Allele origin: germline.
Comment: The PLXNA2 c.4141C>T variant is predicted to result in the amino acid substitution p.Arg1381Cys. To our knowledge, this variant has not been reported in the literature or in a large population database (gnomAD), indicating this variant is rare. At this time, the clinical significance of this variant is uncertain due to the absence of conclusive functional and genetic evidence.